The following is an entry in ClinVar:

NM_000032.5(ALAS2):c.1057C>G (p.Leu353Val)

Gene: ALAS2 (5'-aminolevulinate synthase 2; minus strand). Cytogenetic location: Xp11.21.
Variant type: single nucleotide variant.
Coding change: c.1057C>G on transcript NM_000032.5 (MANE Select); coding-DNA position 1057, C replaced by G.
Protein change: p.Leu353Val; replaces leucine 353 with valine.
Molecular consequence: missense variant.
Genome position (GRCh38, 1-based): chrX:55,015,689, G>C on the plus strand (C>G on the coding strand, the complement: ALAS2 is on the minus strand). VCF-style: chrX-55015689-G-C. GRCh37 (hg19) VCF-style: chrX-55042122-G-C.
Other names: c.1057C>G, p.Leu353Val (LRG_1163t1); c.946C>G, p.Leu316Val (NM_001037967.4); c.1018C>G, p.Leu340Val (NM_001037968.4); short protein forms L353V, L340V, L316V.
Identifiers: ClinVar variation 449992 (VCV000449992.3), dbSNP rs1557247532, ClinGen allele CA413293694.
Genomic context (GRCh38, chrX:55,015,689, plus strand): 5'-CAATCCCAGCGCCCCGGGACCCATACAGTCCTACAGCATGGACCTCATCCACGAAGGTCA[G>C]GGCCCCATACTGGTGGGACACATCACACAACTCCTCGAGGGGACAGATGGCACCTGAGCA-3'
Protein context (NP_000023.2, residues 343-363): LCDVSHQYGA[Leu353Val]TFVDEVHAVG

ClinVar aggregate classification (germline): Uncertain significance. Review status: criteria provided, multiple submitters, no conflicts (2 of 4 stars). 2 submissions from 2 submitters: Uncertain significance (2). Last evaluated 2023-02-14.

Conditions:
X-linked erythropoietic protoporphyria. Also called: ERYTHROHEPATIC PROTOPORPHYRIA, X-LINKED; Erythropoietic Protoporphyria, X-Linked Dominant; X-Linked Protoporphyria. Identifiers: Orphanet 443197, MedGen C2677889, MONDO:0010420, OMIM 300752.

Submissions (2):

Neuberg Centre For Genomic Medicine, NCGM
Classification: Uncertain significance for X-linked erythropoietic protoporphyria. Last evaluated: 2023-02-14. Review status: criteria provided, single submitter. Criteria: ACMG Guidelines, 2015. Collection method: clinical testing. Allele origin: germline. Inheritance: X-linked inheritance. Affected: yes.

GeneDx
Classification: Uncertain significance. Last evaluated: 2017-06-19. Review status: criteria provided, single submitter. Criteria: GeneDx Variant Classification (06012015). Collection method: clinical testing. Allele origin: germline. Affected: yes.
Comment: The L353V variant has not been published as a pathogenic variant, nor has it been reported as a benign variant to our knowledge. The L353V variant is not observed in large population cohorts (Lek et al., 2016; 1000 Genomes Consortium et al., 2015; Exome Variant Server). The L353V variant is a conservative amino acid substitution, which is not likely to impact secondary protein structure as these residues share similar properties. This substitution occurs at a position where amino acids with similar properties to Leucine are tolerated across species. In silico analysis is inconsistent in its predictions as to whether or not the variant is damaging to the protein structure/function. In summary, based on the currently available information, it is unclear whether this variant is a pathogenic variant or a rare benign variant.